The following is an entry in ClinVar:

ClinVar aggregate classification (germline): Pathogenic (1 of 4 stars; one submission).

Conditions:
Inborn genetic diseases. Identifiers: MedGen C0950123, MeSH D030342.

Submission:

Ambry Genetics
Classification: Pathogenic for Inborn genetic diseases. Last evaluated: 2026-07-07. Review status: criteria provided, single submitter. Criteria: Ambry Variant Classification Scheme 2023. Collection method: clinical testing. Allele origin: germline.
Comment: The c.1060delC (p.R354Afs*43) alteration, located in exon 8 (coding exon 8) of the CUL3 gene, consists of a deletion of one nucleotide at position 1060, causing a translational frameshift with a predicted alternate stop codon after 43 amino acids. This variant is expected to result in loss of function by premature protein truncation or nonsense-mediated mRNA decay. for CUL3-related neurodevelopmental disorder; however, its clinical significance for CUL3-related pseudohypoaldosteronism type II is uncertain This variant was not reported in population-based cohorts in the Genome Aggregation Database (gnomAD). Based on the available evidence, this alteration is classified as pathogenic.

NM_003590.5(CUL3):c.1060del (p.Arg354fs)

Gene: CUL3 (cullin 3; minus strand). Cytogenetic location: 2q36.2.
Variant type: Deletion.
Coding change: c.1060del on transcript NM_003590.5 (MANE Select); coding-DNA position 1060, one base deleted (C; older notation c.1060delC).
Protein change: p.Arg354fs; shifts the reading frame from arginine 354.
Molecular consequence: frameshift variant.
Genome position (GRCh38, 1-based): chr2:224,506,102, G deleted on the plus strand (C on the coding strand, the reverse complement: CUL3 is on the minus strand). VCF-style (leftmost placement, unchanged base first): chr2-224506101-CG-C. GRCh37 (hg19) VCF-style: chr2-225370818-CG-C.
Other names: c.862del, p.Arg288fs (NM_001257197.2); c.1078del, p.Arg360fs (NM_001257198.2); short protein forms R288fs, R360fs, R354fs.
Identifiers: ClinVar variation 5035070 (VCV005035070.1).